The following is an entry in ClinVar:

NM_024675.4(PALB2):c.755C>T (p.Thr252Ile)

Gene: PALB2 (partner and localizer of BRCA2; minus strand). Cytogenetic location: 16p12.2.
Variant type: single nucleotide variant.
Coding change: c.755C>T on transcript NM_024675.4 (MANE Select); coding-DNA position 755, C replaced by T.
Protein change: p.Thr252Ile; replaces threonine 252 with isoleucine.
Molecular consequence: missense variant.
Genome position (GRCh38, 1-based): chr16:23,635,791, G>A on the plus strand (C>T on the coding strand, the complement: PALB2 is on the minus strand). VCF-style: chr16-23635791-G-A. GRCh37 (hg19) VCF-style: chr16-23647112-G-A.
Other names: short protein forms T252I.
Identifiers: ClinVar variation 987875 (VCV000987875.8), dbSNP rs1967023769, ClinGen allele CA395136176.

ClinVar aggregate classification (germline): Uncertain significance. Review status: criteria provided, multiple submitters, no conflicts (2 of 4 stars). 4 submissions from 4 submitters: Uncertain significance (4). Last evaluated 2025-08-01.

Conditions:
Hereditary cancer-predisposing syndrome. Also called: Hereditary Cancer Syndrome; Neoplastic Syndromes, Hereditary; Tumor predisposition; Hereditary neoplastic syndrome. Identifiers: Orphanet 140162, MedGen C0027672, MeSH D009386, MONDO:0015356.
Familial cancer of breast. Also called: BREAST CANCER, FAMILIAL; Hereditary breast cancer; hereditary breast carcinoma. Identifiers: Orphanet 227535, MedGen C0346153, MONDO:0016419, OMIM 114480. Disease mechanism: loss of function.

Submissions (4):

GeneDx
Classification: Uncertain significance. Last evaluated: 2025-08-01. Review status: criteria provided, single submitter. Criteria: GeneDx Variant Classification Process June 2021. Collection method: clinical testing. Allele origin: germline. Affected: yes.
Comment: Not observed at significant frequency in large population cohorts (gnomAD); In silico analysis supports that this missense variant has a deleterious effect on protein structure/function; Has not been previously published as pathogenic or benign to our knowledge; This variant is associated with the following publications: (PMID: 19369211)

Ambry Genetics
Classification: Uncertain significance for Hereditary cancer-predisposing syndrome. Last evaluated: 2025-06-13. Review status: criteria provided, single submitter. Criteria: Ambry Variant Classification Scheme 2023. Collection method: clinical testing. Allele origin: germline.
Comment: The p.T252I variant (also known as c.755C>T), located in coding exon 4 of the PALB2 gene, results from a C to T substitution at nucleotide position 755. The threonine at codon 252 is replaced by isoleucine, an amino acid with similar properties. This amino acid position is not well conserved in available vertebrate species. In addition, this alteration is predicted to be tolerated by in silico analysis. Since supporting evidence is limited at this time, the clinical significance of this alteration remains unclear.

Labcorp Genetics (formerly Invitae), Labcorp
Classification: Uncertain significance for Familial cancer of breast. Last evaluated: 2024-06-23. Review status: criteria provided, single submitter. Criteria: Invitae Variant Classification Sherloc (09022015). Collection method: clinical testing. Allele origin: germline.
Comment: This sequence change replaces threonine, which is neutral and polar, with isoleucine, which is neutral and non-polar, at codon 252 of the PALB2 protein (p.Thr252Ile). This variant is not present in population databases (gnomAD no frequency). This variant has not been reported in the literature in individuals affected with PALB2-related conditions. ClinVar contains an entry for this variant (Variation ID: 987875). Algorithms developed to predict the effect of missense changes on protein structure and function output the following: SIFT: "Not Available"; PolyPhen-2: "Possibly Damaging"; Align-GVGD: "Not Available". The isoleucine amino acid residue is found in multiple mammalian species, which suggests that this missense change does not adversely affect protein function. In summary, the available evidence is currently insufficient to determine the role of this variant in disease. Therefore, it has been classified as a Variant of Uncertain Significance.

Women's Health and Genetics/Laboratory Corporation of America, LabCorp
Classification: Uncertain significance. Last evaluated: 2020-11-12. Review status: criteria provided, single submitter. Criteria: LabCorp Variant Classification Summary - May 2015. Collection method: clinical testing. Allele origin: germline.
Comment: Variant summary: PALB2 c.755C>T (p.Thr252Ile) results in a non-conservative amino acid change in the encoded protein sequence. Three of five in-silico tools predict a benign effect of the variant on protein function. The variant was absent in 251354 control chromosomes (gnomAD). The available data on variant occurrences in the general population are insufficient to allow any conclusion about variant significance. To our knowledge, no occurrence of c.755C>T in individuals affected with Breast Cancer and no experimental evidence demonstrating its impact on protein function have been reported. No clinical diagnostic laboratories have submitted clinical-significance assessments for this variant to ClinVar after 2014. Based on the evidence outlined above, the variant was classified as uncertain significance.